The following is an entry in ClinVar:

NM_001042424.3(NSD2):c.259T>A (p.Phe87Ile)

Gene: NSD2 (nuclear receptor binding SET domain protein 2; plus strand). Cytogenetic location: 4p16.3.
Variant type: single nucleotide variant.
Coding change: c.259T>A on transcript NM_001042424.3 (MANE Select); coding-DNA position 259, T replaced by A.
Protein change: p.Phe87Ile; replaces phenylalanine 87 with isoleucine.
Molecular consequence: missense variant. On other transcripts: 5 prime UTR variant (2).
Genome position (GRCh38, 1-based): chr4:1,900,913, T>A. VCF-style: chr4-1900913-T-A. GRCh37 (hg19) VCF-style: chr4-1902640-T-A.
Other names: c.259T>A, p.Phe87Ile (NM_001440892.1, NM_001440893.1, NM_001440894.1 and 9 more transcripts); c.-548T>A (NM_001440899.1); c.-815T>A (NM_001440900.1); short protein forms F87I.
Identifiers: ClinVar variation 4846878 (VCV004846878.1).

ClinVar aggregate classification (germline): Uncertain significance (1 of 4 stars; one submission).

Conditions:
Rauch-Steindl syndrome (RAUST). Identifiers: Orphanet 659642, MedGen C5562061, MONDO:0859219, OMIM 619695.

Submission:

Laboratorio de Genetica e Diagnostico Molecular, Hospital Israelita Albert Einstein
Classification: Uncertain significance for Rauch-Steindl syndrome. Last evaluated: 2025-07-11. Review status: criteria provided, single submitter. Criteria: ACMG Guidelines, 2015. Collection method: clinical testing. Allele origin: germline. Affected: yes.
Comment: ACMG classification criteria: PM2 supporting, PP2 supporting, BP4 supporting